The following is an entry in ClinVar:

NM_002292.4(LAMB2):c.130del (p.Arg44fs)

Gene: LAMB2 (laminin subunit beta 2; minus strand). Cytogenetic location: 3p21.31.
Variant type: Deletion.
Coding change: c.130del on transcript NM_002292.4 (MANE Select); coding-DNA position 130, one base deleted (A; older notation c.130delA).
Protein change: p.Arg44fs; shifts the reading frame from arginine 44.
Molecular consequence: frameshift variant.
Genome position (GRCh38, 1-based): chr3:49,132,610, T deleted on the plus strand (A on the coding strand, the reverse complement: LAMB2 is on the minus strand). VCF-style (leftmost placement, unchanged base first): chr3-49132609-CT-C. GRCh37 (hg19) VCF-style: chr3-49170042-CT-C.
Other names: short protein forms R44fs.
Identifiers: ClinVar variation 1333635 (VCV001333635.1), dbSNP rs2107645768, ClinGen allele CA2573052204.

ClinVar aggregate classification (germline): Likely pathogenic (1 of 4 stars; one submission).

Conditions:
Pierson syndrome. Also called: MICROCORIA-CONGENITAL NEPHROTIC SYNDROME. Identifiers: Orphanet 2670, MedGen C1836876, MONDO:0012184, OMIM 609049.

Submission:

3billion
Classification: Likely pathogenic for Pierson syndrome. Last evaluated: 2022-01-03. Review status: criteria provided, single submitter. Criteria: ACMG Guidelines, 2015. Collection method: clinical testing. Allele origin: germline. Affected: yes. Observed: 1 heterozygote.
Comment: Frameshift: predicted to result in a loss or disruption of normal protein function through nonsense-mediated decay (NMD) or protein truncation. Multiple pathogenic variants are reported downstream of the variant (PVS1_VS). It is not observed in the gnomAD v2.1.1 dataset (PM2_M). Therefore, this variant is classified as likely pathogenic according to the recommendation of ACMG/AMP guideline.